The following is an entry in ClinVar:

ClinVar aggregate classification (germline): Conflicting classifications of pathogenicity. Review status: criteria provided, conflicting classifications (1 of 4 stars). 7 submissions from 7 submitters: Uncertain significance (4); Likely benign (1). 2 of the submissions do not count toward it. Last evaluated 2024-10-31.

Conditions:
Inborn genetic diseases. Identifiers: MedGen C0950123, MeSH D030342.
46,XY sex reversal 9 (SRXY9). Also called: 46,XY SEX REVERSAL, ZFPM2-RELATED. Identifiers: Orphanet 251510, MedGen C4015129, MONDO:0014480, OMIM 616067.

Allele frequency attached by ClinVar (database versions not stated): ESP Exome Variant Server 0.00008; gnomAD 0.00014 and 0.00015; TOPMed 0.00016.
gnomAD v4.1: 432 of 1,613,512 alleles (0.027%); highest among the groups gnomAD compares: Non-Finnish European, 0.036%; no homozygotes.

Submissions (7):

Labcorp Genetics (formerly Invitae), Labcorp
Classification: Uncertain significance for 46,XY sex reversal 9. Last evaluated: 2024-10-31. Review status: criteria provided, single submitter. Criteria: Invitae Variant Classification Sherloc (09022015). Collection method: clinical testing. Allele origin: germline.
Comment: This sequence change replaces proline, which is neutral and non-polar, with alanine, which is neutral and non-polar, at codon 41 of the ZFPM2 protein (p.Pro41Ala). This variant is present in population databases (rs199535268, gnomAD 0.03%), and has an allele count higher than expected for a pathogenic variant. This variant has not been reported in the literature in individuals affected with ZFPM2-related conditions. ClinVar contains an entry for this variant (Variation ID: 1061068). An algorithm developed to predict the effect of missense changes on protein structure and function (PolyPhen-2) suggests that this variant is likely to be tolerated. In summary, the available evidence is currently insufficient to determine the role of this variant in disease. Therefore, it has been classified as a Variant of Uncertain Significance.

CeGaT Center for Human Genetics Tuebingen
Classification: Likely benign. Last evaluated: 2023-08-01. Review status: criteria provided, single submitter. Criteria: CeGaT Center For Human Genetics Tuebingen Variant Classification Criteria Version 2. Collection method: clinical testing. Allele origin: germline. Affected: yes. Observed: 1 variant allele.
Comment: ZFPM2: BP4

Ambry Genetics
Classification: Uncertain significance for Inborn genetic diseases. Last evaluated: 2022-09-26. Review status: criteria provided, single submitter. Criteria: Ambry Variant Classification Scheme 2023. Collection method: clinical testing. Allele origin: germline.

Revvity Omics, Revvity
Classification: Uncertain significance. Last evaluated: 2020-02-21. Review status: criteria provided, single submitter. Criteria: ACMG Guidelines, 2015. Collection method: clinical testing. Allele origin: germline.

GeneDx
Classification: Uncertain significance. Last evaluated: 2019-12-03. Review status: criteria provided, single submitter. Criteria: GeneDx Variant Classification Process June 2021. Collection method: clinical testing. Allele origin: germline. Affected: yes.
Comment: In silico analysis, which includes protein predictors and evolutionary conservation, supports that this variant does not alter protein structure/function; Has not been previously published as pathogenic or benign to our knowledge

Joint Genome Diagnostic Labs from Nijmegen and Maastricht, Radboudumc and MUMC+
Classification: Likely benign. Review status: no assertion criteria provided. Collection method: clinical testing. Allele origin: germline. Affected: yes. Study: VKGL Data-share Consensus. Not counted in ClinVar's aggregate classification.

Laboratory of Diagnostic Genome Analysis, Leiden University Medical Center (LUMC)
Classification: Likely benign. Review status: no assertion criteria provided. Collection method: clinical testing. Allele origin: germline. Affected: yes. Study: VKGL Data-share Consensus. Not counted in ClinVar's aggregate classification.

NM_012082.4(ZFPM2):c.121C>G (p.Pro41Ala)

Gene: ZFPM2 (zinc finger protein, FOG family member 2; plus strand). Cytogenetic location: 8q23.1.
Variant type: single nucleotide variant.
Coding change: c.121C>G on transcript NM_012082.4 (MANE Select); coding-DNA position 121, C replaced by G.
Protein change: p.Pro41Ala; replaces proline 41 with alanine.
Molecular consequence: missense variant. On other transcripts: 5 prime UTR variant (1), intron variant (1).
Genome position (GRCh38, 1-based): chr8:105,419,224, C>G. VCF-style: chr8-105419224-C-G. GRCh37 (hg19) VCF-style: chr8-106431452-C-G.
Other names: c.-276C>G (NM_001362837.2); c.41-25056C>G (NM_001362836.2); short protein forms P41A.
Identifiers: ClinVar variation 1061068 (VCV001061068.40), dbSNP rs199535268, ClinGen allele CA4839384.
Genomic context (GRCh38, chr8:105,419,224, plus strand): 5'-GAAGATGAGGAAGAAGAATGTCCATCAGAGGAAACAGACATCATCTCCAAAGGAGACTTT[C>G]CATTGGAGGAAAGCTTTTCCACAGAATTTGGGCCTGAAAATCTGAGCTGCGAAGAAGTGG-3'
Protein context (NP_036214.2, residues 31-51): ETDIISKGDF[Pro41Ala]LEESFSTEFG